The following is an entry in ClinVar:

NM_005732.4(RAD50):c.3095A>C (p.Lys1032Thr)

Gene: RAD50 (RAD50 double strand break repair protein; plus strand). Cytogenetic location: 5q31.1.
Variant type: single nucleotide variant.
Coding change: c.3095A>C on transcript NM_005732.4 (MANE Select); coding-DNA position 3095, A replaced by C.
Protein change: p.Lys1032Thr; replaces lysine 1032 with threonine.
Molecular consequence: missense variant.
Genome position (GRCh38, 1-based): chr5:132,616,061, A>C. VCF-style: chr5-132616061-A-C. GRCh37 (hg19) VCF-style: chr5-131951753-A-C.
Other names: short protein forms K1032T.
Identifiers: ClinVar variation 3429483 (VCV003429483.1).

ClinVar aggregate classification (germline): Uncertain significance (1 of 4 stars; one submission).

Conditions:
Hereditary cancer-predisposing syndrome. Also called: Neoplastic Syndromes, Hereditary; Tumor predisposition; Hereditary Cancer Syndrome; Hereditary neoplastic syndrome. Identifiers: Orphanet 140162, MedGen C0027672, MeSH D009386, MONDO:0015356.

Submission:

Ambry Genetics
Classification: Uncertain significance for Hereditary cancer-predisposing syndrome. Last evaluated: 2024-07-27. Review status: criteria provided, single submitter. Criteria: Ambry Variant Classification Scheme 2023. Collection method: clinical testing. Allele origin: germline.
Comment: The p.K1032T variant (also known as c.3095A>C), located in coding exon 20 of the RAD50 gene, results from an A to C substitution at nucleotide position 3095. The lysine at codon 1032 is replaced by threonine, an amino acid with similar properties. This amino acid position is conserved. In addition, the in silico prediction for this alteration is inconclusive. Based on the available evidence, the clinical significance of this variant remains unclear.